The following is an entry in ClinVar:

ClinVar aggregate classification (germline): Uncertain significance (1 of 4 stars; one submission).

Conditions:
Cryptosporidiosis-chronic cholangitis-liver disease syndrome. Also called: IL21R immunodeficiency; Immunodeficiency type 56. Identifiers: Orphanet 357329, MedGen C3554687, MONDO:0014082, OMIM 615207.

gnomAD v4.1: 3 of 1,613,808 alleles (0.00019%); highest among the groups gnomAD compares: Non-Finnish European, 0.00025%; no homozygotes.

Submission:

Labcorp Genetics (formerly Invitae), Labcorp
Classification: Uncertain significance for Cryptosporidiosis-chronic cholangitis-liver disease syndrome. Last evaluated: 2024-05-22. Review status: criteria provided, single submitter. Criteria: Invitae Variant Classification Sherloc (09022015). Collection method: clinical testing. Allele origin: germline.
Comment: This sequence change replaces arginine, which is basic and polar, with glycine, which is neutral and non-polar, at codon 275 of the IL21R protein (p.Arg275Gly). This variant is present in population databases (rs200379224, gnomAD 0.0009%). This variant has not been reported in the literature in individuals affected with IL21R-related conditions. ClinVar contains an entry for this variant (Variation ID: 644769). Advanced modeling of protein sequence and biophysical properties (such as structural, functional, and spatial information, amino acid conservation, physicochemical variation, residue mobility, and thermodynamic stability) performed at Invitae indicates that this missense variant is not expected to disrupt IL21R protein function with a negative predictive value of 80%. In summary, the available evidence is currently insufficient to determine the role of this variant in disease. Therefore, it has been classified as a Variant of Uncertain Significance.

NM_181078.3(IL21R):c.823C>G (p.Arg275Gly)

Gene: IL21R (interleukin 21 receptor; plus strand). Cytogenetic location: 16p12.1.
Variant type: single nucleotide variant.
Coding change: c.823C>G on transcript NM_181078.3 (MANE Select); coding-DNA position 823, C replaced by G.
Protein change: p.Arg275Gly; replaces arginine 275 with glycine.
Molecular consequence: missense variant.
Genome position (GRCh38, 1-based): chr16:27,446,044, C>G. VCF-style: chr16-27446044-C-G. GRCh37 (hg19) VCF-style: chr16-27457365-C-G.
Other names: c.823C>G, p.Arg275Gly (NM_021798.4); c.889C>G, p.Arg297Gly (NM_181079.5); short protein forms R297G, R275G.
Identifiers: ClinVar variation 644769 (VCV000644769.6), dbSNP rs200379224, ClinGen allele CA7975081.